The following is an entry in ClinVar:

NC_000023.11:g.38273403T>C

Gene: RPGR (retinitis pigmentosa GTPase regulator; minus strand). Cytogenetic location: Xp11.4.
Variant type: single nucleotide variant.
Molecular consequence: missense variant (on NM_000328.3). On other transcripts: non-coding transcript variant (6).
Genome position: GRCh38 VCF-style: chrX-38273403-T-C. GRCh37 (hg19) VCF-style: chrX-38132656-T-C.
Other names: c.2224A>G, p.Met742Val (NM_000328.3); c.2221A>G, p.Met741Val (NM_001367245.1); c.2038A>G, p.Met680Val (NM_001367246.1); c.1891A>G, p.Met631Val (NM_001367247.1); c.1921A>G, p.Met641Val (NM_001367248.1); c.1888A>G, p.Met630Val (NM_001367249.1, NM_001367250.1); c.1705A>G, p.Met569Val (NM_001367251.1); short protein forms M569V, M680V, M631V, M630V, M641V, M741V, M742V.
Identifiers: ClinVar variation 2817475 (VCV002817475.3), dbSNP rs2519748996, ClinGen allele CA412723838.

ClinVar aggregate classification (germline): Uncertain significance (1 of 4 stars; one submission).

Conditions:
Primary ciliary dyskinesia. Also called: Ciliary dyskinesia. Identifiers: Orphanet 244, MedGen C0008780, MONDO:0016575, HP:0012265.

Submission:

Labcorp Genetics (formerly Invitae), Labcorp
Classification: Uncertain significance for Primary ciliary dyskinesia. Last evaluated: 2023-08-16. Review status: criteria provided, single submitter. Criteria: Invitae Variant Classification Sherloc (09022015). Collection method: clinical testing. Allele origin: germline.
Comment: This sequence change replaces methionine, which is neutral and non-polar, with valine, which is neutral and non-polar, at codon 742 of the RPGR protein (p.Met742Val). This variant is not present in population databases (gnomAD no frequency). This variant has not been reported in the literature in individuals affected with RPGR-related conditions. Advanced modeling of protein sequence and biophysical properties (such as structural, functional, and spatial information, amino acid conservation, physicochemical variation, residue mobility, and thermodynamic stability) performed at Invitae indicates that this missense variant is not expected to disrupt RPGR protein function. In summary, the available evidence is currently insufficient to determine the role of this variant in disease. Therefore, it has been classified as a Variant of Uncertain Significance.